The following is an entry in ClinVar:

ClinVar aggregate classification (germline): Pathogenic (1 of 4 stars; one submission).

Submission:

Labcorp Genetics (formerly Invitae), Labcorp
Classification: Pathogenic. Last evaluated: 2024-06-13. Review status: criteria provided, single submitter. Criteria: Invitae Variant Classification Sherloc (09022015). Collection method: clinical testing. Allele origin: germline.
Comment: This sequence change creates a premature translational stop signal (p.His970Serfs*12) in the LAMA1 gene. It is expected to result in an absent or disrupted protein product. Loss-of-function variants in LAMA1 are known to be pathogenic (PMID: 25105227, 26932191). This variant is not present in population databases (gnomAD no frequency). This variant has not been reported in the literature in individuals affected with LAMA1-related conditions. For these reasons, this variant has been classified as Pathogenic.

Literature cited by the submitters: PubMed 25105227; PubMed 26932191.

NM_005559.4(LAMA1):c.2907dup (p.His970fs)

Gene: LAMA1 (laminin subunit alpha 1; minus strand). Cytogenetic location: 18p11.31.
Variant type: Duplication.
Coding change: c.2907dup on transcript NM_005559.4 (MANE Select); coding-DNA position 2907, one base duplicated (T; older notation c.2907dupT).
Protein change: p.His970fs; shifts the reading frame from histidine 970.
Molecular consequence: frameshift variant.
Genome position (GRCh38, 1-based): chr18:7,016,573, A duplicated on the plus strand (T on the coding strand, the reverse complement: LAMA1 is on the minus strand). VCF-style (leftmost placement, unchanged base first): chr18-7016572-G-GA. GRCh37 (hg19) VCF-style: chr18-7016571-G-GA.
Other names: short protein forms H970fs.
Identifiers: ClinVar variation 3655043 (VCV003655043.2).